The following is an entry in ClinVar:

NM_002299.4(LCT):c.2110_2112del (p.Asp704del)

Gene: LCT (lactase; minus strand). Cytogenetic location: 2q21.3.
Variant type: Deletion.
Coding change: c.2110_2112del on transcript NM_002299.4 (MANE Select); coding-DNA positions 2110 to 2112, 3 bases deleted (GAT; older notation c.2110_2112delGAT).
Protein change: p.Asp704del; deletes aspartic acid 704.
Molecular consequence: inframe deletion.
Genome position (GRCh38, 1-based): chr2:135,812,552-135,812,554, ATC deleted on the plus strand (GAT on the coding strand, the reverse complement: LCT is on the minus strand); deleting any 3 consecutive bases within chr2:135,812,552-135,812,556 gives the same sequence; the c. name uses the placement nearest the transcript's 3' end. VCF-style (leftmost placement, unchanged base first): chr2-135812551-TATC-T. GRCh37 (hg19) VCF-style: chr2-136570121-TATC-T.
Other names: short protein forms D704del.
Identifiers: ClinVar variation 1395459 (VCV001395459.6), dbSNP rs2105537741, ClinGen allele CA2573133178.
Genomic context (GRCh38, chr2:135,812,551, plus strand): 5'-TCCAAGAGGATGAGGTCTGGGGCCACACATGGTTCACGTGTTGGGAGAAGCCTCCAATGG[TATC>T]ATAGCTAGGGATGCAGGTGTTTTGTGGGGCGTTGCTGATGAGGCGGGAGGTGTAATGCGA-3'

ClinVar aggregate classification (germline): Uncertain significance (1 of 4 stars; one submission).

Submission:

Labcorp Genetics (formerly Invitae), Labcorp
Classification: Uncertain significance. Last evaluated: 2021-11-27. Review status: criteria provided, single submitter. Criteria: Invitae Variant Classification Sherloc (09022015). Collection method: clinical testing. Allele origin: germline.
Comment: In summary, the available evidence is currently insufficient to determine the role of this variant in disease. Therefore, it has been classified as a Variant of Uncertain Significance. Experimental studies and prediction algorithms are not available or were not evaluated, and the functional significance of this variant is currently unknown. This variant has not been reported in the literature in individuals affected with LCT-related conditions. This variant is not present in population databases (gnomAD no frequency). This variant, c.2110_2112del, results in the deletion of 1 amino acid(s) of the LCT protein (p.Asp704del), but otherwise preserves the integrity of the reading frame.